The following is an entry in ClinVar:

ClinVar aggregate classification (germline): Conflicting classifications of pathogenicity. Review status: criteria provided, conflicting classifications (1 of 4 stars). 2 submissions from 2 submitters: Uncertain significance (1); Likely benign (1). Last evaluated 2025-09-28.

Conditions:
Hereditary cancer-predisposing syndrome. Also called: Neoplastic Syndromes, Hereditary; Tumor predisposition; Hereditary Cancer Syndrome; Hereditary neoplastic syndrome. Identifiers: Orphanet 140162, MedGen C0027672, MeSH D009386, MONDO:0015356.
Familial cancer of breast. Also called: BREAST CANCER, FAMILIAL; hereditary breast carcinoma; Hereditary breast cancer. Identifiers: Orphanet 227535, MedGen C0346153, MONDO:0016419, OMIM 114480. Disease mechanism: loss of function.

Allele frequency attached by ClinVar (database versions not stated): ExAC 0.00001; gnomAD exomes 0.00001.

Submissions (2):

Labcorp Genetics (formerly Invitae), Labcorp
Classification: Uncertain significance for Familial cancer of breast. Last evaluated: 2025-09-28. Review status: criteria provided, single submitter. Criteria: Invitae Variant Classification Sherloc (09022015). Collection method: clinical testing. Allele origin: germline.
Comment: This sequence change replaces tyrosine, which is neutral and polar, with cysteine, which is neutral and slightly polar, at codon 597 of the BARD1 protein (p.Tyr597Cys). This variant is present in population databases (rs757953605, gnomAD 0.01%). This variant has not been reported in the literature in individuals affected with BARD1-related conditions. ClinVar contains an entry for this variant (Variation ID: 639108). An algorithm developed to predict the effect of missense changes on protein structure and function outputs the following: PolyPhen-2: "Benign". The cysteine amino acid residue is found in multiple mammalian species, which suggests that this missense change does not adversely affect protein function. In summary, the available evidence is currently insufficient to determine the role of this variant in disease. Therefore, it has been classified as a Variant of Uncertain Significance.

Ambry Genetics
Classification: Likely benign for Hereditary cancer-predisposing syndrome. Last evaluated: 2018-12-31. Review status: criteria provided, single submitter. Criteria: Ambry Variant Classification Scheme 2023. Collection method: clinical testing. Allele origin: germline.

NM_000465.4(BARD1):c.1790A>G (p.Tyr597Cys)

Gene: BARD1 (BRCA1 associated RING domain 1; minus strand). Cytogenetic location: 2q35.
Variant type: single nucleotide variant.
Coding change: c.1790A>G on transcript NM_000465.4 (MANE Select); coding-DNA position 1790, A replaced by G.
Protein change: p.Tyr597Cys; replaces tyrosine 597 with cysteine.
Molecular consequence: missense variant. On other transcripts: non-coding transcript variant (3), intron variant (1).
Genome position (GRCh38, 1-based): chr2:214,745,742, T>C on the plus strand (A>G on the coding strand, the complement: BARD1 is on the minus strand). VCF-style: chr2-214745742-T-C. GRCh37 (hg19) VCF-style: chr2-215610466-T-C.
Other names: c.1733A>G, p.Tyr578Cys (NM_001282543.2); c.437A>G, p.Tyr146Cys (NM_001282545.2); c.380A>G, p.Tyr127Cys (NM_001282548.2); c.365-15234A>G (NM_001282549.2); short protein forms Y127C, Y146C, Y578C, Y597C.
Identifiers: ClinVar variation 639108 (VCV000639108.12), dbSNP rs757953605, ClinGen allele CA2090173.
Genomic context (GRCh38, chr2:214,745,742, plus strand): 5'-CATTTTTTCTACCCCACCTCCCAAAATTCAAAATCCTCACCTGTACTGTCAAACTCAGTA[T>C]ATTTTTTAGCCTTAAGAATTACTGCAAGCTCACTGAGCATTTTCTGTTGTTCTGAAGACA-3'
Protein context (NP_000456.2, residues 587-607): ELAVILKAKK[Tyr597Cys]TEFDSTVTHV